The following is an entry in ClinVar:

NM_002764.4(PRPS1):c.511G>T (p.Asp171Tyr)

Gene: PRPS1 (phosphoribosyl pyrophosphate synthetase 1; plus strand). Cytogenetic location: Xq22.3.
Variant type: single nucleotide variant.
Coding change: c.511G>T on transcript NM_002764.4 (MANE Select); coding-DNA position 511, G replaced by T.
Protein change: p.Asp171Tyr; replaces aspartic acid 171 with tyrosine.
Molecular consequence: missense variant. On other transcripts: intron variant (1).
Genome position (GRCh38, 1-based): chrX:107,642,471, G>T. VCF-style: chrX-107642471-G-T. GRCh37 (hg19) VCF-style: chrX-106885701-G-T.
Other names: c.-82-2706G>T (NM_001204402.2); short protein forms D171Y.
Identifiers: ClinVar variation 1480873 (VCV001480873.6), dbSNP rs2147683220, ClinGen allele CA413810597.

ClinVar aggregate classification (germline): Uncertain significance (1 of 4 stars; one submission).

Conditions:
Charcot-Marie-Tooth Neuropathy X. Identifiers: MedGen CN118851.

Submission:

Labcorp Genetics (formerly Invitae), Labcorp
Classification: Uncertain significance for Charcot-Marie-Tooth Neuropathy X. Last evaluated: 2022-08-16. Review status: criteria provided, single submitter. Criteria: Invitae Variant Classification Sherloc (09022015). Collection method: clinical testing. Allele origin: germline.
Comment: In summary, the available evidence is currently insufficient to determine the role of this variant in disease. Therefore, it has been classified as a Variant of Uncertain Significance. Algorithms developed to predict the effect of missense changes on protein structure and function (SIFT, PolyPhen-2, Align-GVGD) all suggest that this variant is likely to be disruptive. ClinVar contains an entry for this variant (Variation ID: 1480873). This variant has not been reported in the literature in individuals affected with PRPS1-related conditions. This variant is not present in population databases (gnomAD no frequency). This sequence change replaces aspartic acid, which is acidic and polar, with tyrosine, which is neutral and polar, at codon 171 of the PRPS1 protein (p.Asp171Tyr).